The following is an entry in ClinVar:

NM_024757.5(EHMT1):c.1468C>T (p.Arg490Ter)

Gene: EHMT1 (euchromatic histone lysine methyltransferase 1; plus strand). Cytogenetic location: 9q34.3.
Variant type: single nucleotide variant.
Coding change: c.1468C>T on transcript NM_024757.5 (MANE Select); coding-DNA position 1468, C replaced by T.
Protein change: p.Arg490Ter; replaces arginine 490 with a stop codon.
Molecular consequence: nonsense.
Genome position (GRCh38, 1-based): chr9:137,757,978, C>T. VCF-style: chr9-137757978-C-T. GRCh37 (hg19) VCF-style: chr9-140652430-C-T.
Other names: c.1468C>T, p.Arg490Ter (NM_001145527.2, NM_001354611.2); c.1375C>T, p.Arg459Ter (NM_001354259.2, NM_001354612.2); c.1447C>T, p.Arg483Ter (NM_001354263.2); short protein forms R483*, R459*, R490*.
Identifiers: ClinVar variation 689715 (VCV000689715.7), dbSNP rs1588553447, ClinGen allele CA375766374.

ClinVar aggregate classification (germline): Pathogenic/Likely pathogenic. Review status: criteria provided, multiple submitters, no conflicts (2 of 4 stars). 5 submissions from 5 submitters: Pathogenic (4); Likely pathogenic (1). Last evaluated 2024-11-01.

Conditions:
Inborn genetic diseases. Identifiers: MedGen C0950123, MeSH D030342.
Kleefstra syndrome 1 (KLEFS1). Identifiers: Orphanet 261494, MedGen C0795833, MONDO:0027407, OMIM 610253.
Marfanoid habitus and intellectual disability. Identifiers: MedGen CN263130.

Submissions (5):

Clinical Genetics Center, Xinhua Hospital affiliated to Shanghai Jiao Tong University School of Medicine
Classification: Pathogenic for Kleefstra syndrome 1. Last evaluated: 2024-11-01. Review status: criteria provided, single submitter. Criteria: ACMG Guidelines, 2015. Collection method: clinical testing. Allele origin: de novo. Affected: yes.
Comment: PVS1+PM6+PM2_Supporting

Laboratory of Medical Genetics, National & Kapodistrian University of Athens
Classification: Pathogenic for Kleefstra syndrome 1. Last evaluated: 2024-05-09. Review status: criteria provided, single submitter. Criteria: ACMG Guidelines, 2015. Collection method: clinical testing. Allele origin: germline. Affected: yes.
Comment: PVS1, PM2, PP5-The variant is expected to result in an absent or disrupted protein product. Absent from gnomAD population databases. It has been reported in ClinVar as Pathogenic by other laboratories (Variation ID: 689715)

Ambry Genetics
Classification: Pathogenic for Inborn genetic diseases. Last evaluated: 2023-04-11. Review status: criteria provided, single submitter. Criteria: Ambry Variant Classification Scheme 2023. Collection method: clinical testing. Allele origin: germline.
Comment: The c.1468C>T (p.R490*) alteration, located in exon 9 (coding exon 9) of the EHMT1 gene, consists of a C to T substitution at nucleotide position 1468. This changes the amino acid from a arginine (R) to a stop codon at amino acid position 490. This alteration is expected to result in loss of function by premature protein truncation or nonsense-mediated mRNA decay. This variant was not reported in population-based cohorts in the Genome Aggregation Database (gnomAD). This variant has been determined to be the result of a de novo mutation in an individual with features consistent with EHMT1-related Kleefstra syndrome (Pan, 2023) and in an individual with intellectual disability and unspecified skeletal features (Chevarin, 2020). Based on the available evidence, this alteration is classified as pathogenic.

GeneDx
Classification: Pathogenic. Last evaluated: 2022-07-08. Review status: criteria provided, single submitter. Criteria: GeneDx Variant Classification Process June 2021. Collection method: clinical testing. Allele origin: germline. Affected: yes.
Comment: Nonsense variant predicted to result in protein truncation or nonsense mediated decay in a gene for which loss-of-function is a known mechanism of disease; Not observed in large population cohorts (gnomAD); This variant is associated with the following publications: (PMID: 32277047)

Equipe Genetique des Anomalies du Developpement, Université de Bourgogne
Classification: Likely pathogenic for Marfanoid habitus and intellectual disability. Review status: criteria provided, single submitter. Criteria: ACMG Guidelines, 2015. Collection method: research. Allele origin: de novo. Affected: yes.

Literature cited by the submitters: PubMed 32277047 (cited by Ambry Genetics); PubMed 36250449 (cited by Ambry Genetics).